The following is an entry in ClinVar:

ClinVar aggregate classification (germline): Uncertain significance (1 of 4 stars; one submission).

Submission:

Clinical Genomics Laboratory, Laboratory for Precision Diagnostics, University of Washington
Classification: Uncertain significance. Last evaluated: 2017-03-03. Review status: criteria provided, single submitter. Criteria: Clinical Cytogenomics Laboratory Policy on CNV Interpretation. Collection method: clinical testing. Allele origin: unknown. Affected: yes. Observed: 1 variant allele.

Literature cited by the submitters: PubMed 27363585; PubMed 24702954.

GRCh37/hg19 15q26.2(chr15:96873984-96877760)x3

Gene: NR2F2 (nuclear receptor subfamily 2 group F member 2; plus strand). Cytogenetic location: 15q26.2.
Variant type: copy number gain.
Change: copy number 3 (three copies instead of two) of chr15:96,873,984-96,877,760 (3.8 kb, GRCh37 coordinates, 1-based), cytogenetic band 15q26.2.
Identifiers: ClinVar variation 446325 (VCV000446325.4).